The following is an entry in ClinVar:

NM_004006.3(DMD):c.6928C>T (p.Pro2310Ser)

Gene: DMD (dystrophin; minus strand). Cytogenetic location: Xp21.1.
Variant type: single nucleotide variant.
Coding change: c.6928C>T on transcript NM_004006.3 (MANE Select); coding-DNA position 6928, C replaced by T.
Protein change: p.Pro2310Ser; replaces proline 2310 with serine.
Molecular consequence: missense variant. On other transcripts: 5 prime UTR variant (5).
Genome position (GRCh38, 1-based): chrX:31,875,358, G>A on the plus strand (C>T on the coding strand, the complement: DMD is on the minus strand). VCF-style: chrX-31875358-G-A. GRCh37 (hg19) VCF-style: chrX-31893475-G-A.
Other names: c.6904C>T, p.Pro2302Ser (NM_000109.4); c.6916C>T, p.Pro2306Ser (NM_004009.3); c.6559C>T, p.Pro2187Ser (NM_004010.3); c.2905C>T, p.Pro969Ser (NM_004011.4); c.2896C>T, p.Pro966Ser (NM_004012.4); c.-453C>T (NM_004013.3, NM_004020.4, NM_004021.3 and 2 more transcripts); short protein forms P2310S, P969S, P2187S, P2306S, P966S, P2302S.
Identifiers: ClinVar variation 2145493 (VCV002145493.3), dbSNP rs1338600297, ClinGen allele CA412660242.

ClinVar aggregate classification (germline): Conflicting classifications of pathogenicity. Review status: criteria provided, conflicting classifications (1 of 4 stars). 2 submissions from 2 submitters: Uncertain significance (1); Likely benign (1). Last evaluated 2025-10-13.

Conditions:
Cardiovascular phenotype. Identifiers: MedGen CN230736.
Duchenne muscular dystrophy (DMD). Also called: MUSCULAR DYSTROPHY, PSEUDOHYPERTROPHIC PROGRESSIVE, DUCHENNE TYPE; Duchenne Muscular Dystrophy (DMD). Identifiers: Orphanet 98896, MedGen C0013264, MONDO:0010679, OMIM 310200.

Allele frequency attached by ClinVar (database versions not stated): gnomAD 0.00002.
gnomAD v4.1: 3 of 1,189,032 alleles (0.00025%); highest among the groups gnomAD compares: African/African-American, 0.0036%; no homozygotes.

Submissions (2):

Labcorp Genetics (formerly Invitae), Labcorp
Classification: Uncertain significance for Duchenne muscular dystrophy. Last evaluated: 2025-10-13. Review status: criteria provided, single submitter. Criteria: Invitae Variant Classification Sherloc (09022015). Collection method: clinical testing. Allele origin: germline.
Comment: This sequence change replaces proline, which is neutral and non-polar, with serine, which is neutral and polar, at codon 2310 of the DMD protein (p.Pro2310Ser). This variant is not present in population databases (gnomAD no frequency). This variant has not been reported in the literature in individuals affected with DMD-related conditions. ClinVar contains an entry for this variant (Variation ID: 2145493). Invitae Evidence Modeling of protein sequence and biophysical properties (such as structural, functional, and spatial information, amino acid conservation, physicochemical variation, residue mobility, and thermodynamic stability) indicates that this missense variant is not expected to disrupt DMD protein function with a negative predictive value of 95%. In summary, the available evidence is currently insufficient to determine the role of this variant in disease. Therefore, it has been classified as a Variant of Uncertain Significance.

Ambry Genetics
Classification: Likely benign for Cardiovascular phenotype. Last evaluated: 2024-07-29. Review status: criteria provided, single submitter. Criteria: Ambry Variant Classification Scheme 2023. Collection method: clinical testing. Allele origin: germline.